The following is an entry in ClinVar:

ClinVar aggregate classification (germline): Pathogenic/Likely pathogenic. Review status: criteria provided, multiple submitters, no conflicts (2 of 4 stars). 2 submissions from 2 submitters: Pathogenic (1); Likely pathogenic (1). Last evaluated 2025-02-25.

Conditions:
FRMD7-related disorders.

Submissions (2):

Labcorp Genetics (formerly Invitae), Labcorp
Classification: Pathogenic. Last evaluated: 2025-02-25. Review status: criteria provided, single submitter. Criteria: Invitae Variant Classification Sherloc (09022015). Collection method: clinical testing. Allele origin: germline.
Comment: This sequence change creates a premature translational stop signal (p.Gln544Serfs*11) in the FRMD7 gene. While this is not anticipated to result in nonsense mediated decay, it is expected to disrupt the last 171 amino acid(s) of the FRMD7 protein. This variant is not present in population databases (gnomAD no frequency). This variant has not been reported in the literature in individuals affected with FRMD7-related conditions. ClinVar contains an entry for this variant (Variation ID: 2097997). This variant disrupts a region of the FRMD7 protein in which other variant(s) (p.Val549Tyrfs*6) have been determined to be pathogenic (PMID: 24434814, 25678693). This suggests that this is a clinically significant region of the protein, and that variants that disrupt it are likely to be disease-causing. For these reasons, this variant has been classified as Pathogenic.

Blueprint Genetics
Classification: Likely pathogenic for FRMD7-related disorders. Last evaluated: 2021-12-17. Review status: criteria provided, single submitter. Criteria: ACMG Guidelines, 2015. Collection method: clinical testing. Allele origin: germline. Affected: yes. Observed: 1 variant allele.

Literature cited by the submitters: PubMed 24434814 (cited by Labcorp Genetics (formerly Invitae), Labcorp); PubMed 25678693 (cited by Labcorp Genetics (formerly Invitae), Labcorp).

NM_194277.3(FRMD7):c.1629del (p.Gln544fs)

Gene: FRMD7 (FERM domain containing 7; minus strand). Cytogenetic location: Xq26.2.
Variant type: Deletion.
Coding change: c.1629del on transcript NM_194277.3 (MANE Select); coding-DNA position 1629, one base deleted (T; older notation c.1629delT).
Protein change: p.Gln544fs; shifts the reading frame from glutamine 544.
Molecular consequence: frameshift variant.
Genome position (GRCh38, 1-based): chrX:132,078,388, A deleted on the plus strand (T on the coding strand, the reverse complement: FRMD7 is on the minus strand); the first of 3 consecutive A bases (chrX:132,078,388-132,078,390); deleting any one gives the same sequence. VCF-style (leftmost placement, unchanged base first): chrX-132078387-GA-G. GRCh37 (hg19) VCF-style: chrX-131212415-GA-G.
Other names: c.1584del, p.Gln529fs (NM_001306193.2); short protein forms Q529fs, Q544fs.
Identifiers: ClinVar variation 2097997 (VCV002097997.5), dbSNP rs2520696502, ClinGen allele CA2580101524.